The following is an entry in ClinVar:

NM_006440.5(TXNRD2):c.799C>G (p.His267Asp)

Gene: TXNRD2 (thioredoxin reductase 2; minus strand). Cytogenetic location: 22q11.21.
Variant type: single nucleotide variant.
Coding change: c.799C>G on transcript NM_006440.5 (MANE Select); coding-DNA position 799, C replaced by G.
Protein change: p.His267Asp; replaces histidine 267 with aspartic acid.
Molecular consequence: missense variant. On other transcripts: non-coding transcript variant (1).
Genome position (GRCh38, 1-based): chr22:19,895,557, G>C on the plus strand (C>G on the coding strand, the complement: TXNRD2 is on the minus strand). VCF-style: chr22-19895557-G-C. GRCh37 (hg19) VCF-style: chr22-19883080-G-C.
Other names: c.799C>G, p.His267Asp (NM_001282512.3); c.796C>G, p.His266Asp (NM_001352300.2); c.709C>G, p.His237Asp (NM_001352301.2); c.511C>G, p.His171Asp (NM_001352302.2); c.703C>G, p.His235Asp (NM_001352303.2); short protein forms H237D, H171D, H235D, H267D, H266D.
Identifiers: ClinVar variation 1761540 (VCV001761540.2), dbSNP rs780964676, ClinGen allele CA10103974.
Genomic context (GRCh38, chr22:19,895,557, plus strand): 5'-GCCTCCTGACCCGCGAGGGGGCACAGCCCCTCAGGAACCGGGTGCCATGAGATGCCATGT[G>C]CTCTATGACCATGGAGGACATTTGCTGCAAAGCACAAGAAGACAGGCCATGAAGACCAGG-3'
Protein context (NP_006431.2, residues 257-277): DQQMSSMVIE[His267Asp]MASHGTRFLR

ClinVar aggregate classification (germline): Uncertain significance (1 of 4 stars; one submission).

Conditions:
Cardiovascular phenotype. Identifiers: MedGen CN230736.

Allele frequency attached by ClinVar (database versions not stated): ExAC 0.00002; gnomAD 0.00002; TOPMed 0.00002.
gnomAD v4.1: 5 of 1,612,610 alleles (0.00031%); highest among the groups gnomAD compares: African/African-American, 0.0067%; no homozygotes.

Submission:

Ambry Genetics
Classification: Uncertain significance for Cardiovascular phenotype. Last evaluated: 2019-04-12. Review status: criteria provided, single submitter. Criteria: Ambry Variant Classification Scheme 2023. Collection method: clinical testing. Allele origin: germline.
Comment: The p.H267D variant (also known as c.799C>G), located in coding exon 11 of the TXNRD2 gene, results from a C to G substitution at nucleotide position 799. The histidine at codon 267 is replaced by aspartic acid, an amino acid with similar properties. This amino acid position is not well conserved in available vertebrate species. In addition, this alteration is predicted to be tolerated by in silico analysis. Since supporting evidence is limited at this time, the clinical significance of this alteration remains unclear.